The following is an entry in ClinVar:

NM_000288.4(PEX7):c.401A>T (p.Asp134Val)

Gene: PEX7 (peroxisomal biogenesis factor 7; plus strand). Cytogenetic location: 6q23.3.
Variant type: single nucleotide variant.
Coding change: c.401A>T on transcript NM_000288.4 (MANE Select); coding-DNA position 401, A replaced by T.
Protein change: p.Asp134Val; replaces aspartic acid 134 with valine.
Molecular consequence: missense variant.
Genome position (GRCh38, 1-based): chr6:136,845,676, A>T. VCF-style: chr6-136845676-A-T. GRCh37 (hg19) VCF-style: chr6-137166814-A-T.
Other names: c.287A>T, p.Asp96Val (NM_001410945.1); short protein forms D134V, D96V.
Identifiers: ClinVar variation 1723306 (VCV001723306.1), dbSNP rs1774584040, ClinGen allele CA365856894.

ClinVar aggregate classification (germline): Uncertain significance (1 of 4 stars; one submission).

Allele frequency attached by ClinVar (database versions not stated): gnomAD exomes 0.00001.
gnomAD v4.1: 10 of 1,604,456 alleles (0.00062%); highest among the groups gnomAD compares: Non-Finnish European, 0.00085%; no homozygotes.

Submission:

Women's Health and Genetics/Laboratory Corporation of America, LabCorp
Classification: Uncertain significance. Last evaluated: 2022-10-13. Review status: criteria provided, single submitter. Criteria: LabCorp Variant Classification Summary - May 2015. Collection method: clinical testing. Allele origin: germline.
Comment: Variant summary: PEX7 c.401A>T (p.Asp134Val) results in a non-conservative amino acid change in the encoded protein sequence. Five of five in-silico tools predict a damaging effect of the variant on protein function. The variant was absent in 251418 control chromosomes (gnomAD). The available data on variant occurrences in the general population are insufficient to allow any conclusion about variant significance. c.401A>T has been reported in the literature together with a pathogenic variant in an individual affected with Rhizomelic Chondrodysplasia Punctata Type 1, however it was not specified whether the variants were in cis or in trans (e.g. Duker_2016). These data do not allow any conclusion about variant significance. To our knowledge, no experimental evidence demonstrating an impact on protein function has been reported. No clinical diagnostic laboratories have submitted clinical-significance assessments for this variant to ClinVar after 2014. Based on the evidence outlined above, the variant was classified as uncertain significance.

Literature cited by the submitters: PubMed 26408048.